The following is an entry in ClinVar:

NM_001905.4(CTPS1):c.1547A>G (p.Asp516Gly)

Gene: CTPS1 (CTP synthase 1; plus strand). Cytogenetic location: 1p34.2.
Variant type: single nucleotide variant.
Coding change: c.1547A>G on transcript NM_001905.4 (MANE Select); coding-DNA position 1547, A replaced by G.
Protein change: p.Asp516Gly; replaces aspartic acid 516 with glycine.
Molecular consequence: missense variant. On other transcripts: non-coding transcript variant (1).
Genome position (GRCh38, 1-based): chr1:41,009,445, A>G. VCF-style: chr1-41009445-A-G. GRCh37 (hg19) VCF-style: chr1-41475117-A-G.
Other names: c.1079A>G, p.Asp360Gly (NM_001301237.2); short protein forms D516G, D360G.
Identifiers: ClinVar variation 2956790 (VCV002956790.3), dbSNP rs371598753, ClinGen allele CA795574.
Genomic context (GRCh38, chr1:41,009,445, plus strand): 5'-CTTTTACACTTTGTGCATAACCTTCACAATGAAGCTGTTTCTTTTGAATCTCTATTTCAG[A>G]TCATCCCTTTTTTGTTGGGGTTCAGTACCACCCTGAGTTCCTGTCCAGGCCTATCAAGCC-3'
Protein context (NP_001896.2, residues 506-526): GERMEIVELE[Asp516Gly]HPFFVGVQYH

ClinVar aggregate classification (germline): Uncertain significance (1 of 4 stars; one submission).

Conditions:
Combined immunodeficiency due to CTPS1 deficiency. Also called: Immunodeficiency 24; Severe combined immunodeficiency due to CTPS1 deficiency. Identifiers: Orphanet 420573, MedGen C4014617, MONDO:0014391, OMIM 615897.

Allele frequency attached by ClinVar (database versions not stated): ExAC 0.00001; gnomAD 0.00001; TOPMed 0.00001; ESP Exome Variant Server 0.00008.
gnomAD v4.1: 22 of 1,565,156 alleles (0.0014%); highest among the groups gnomAD compares: Non-Finnish European, 0.0017%; no homozygotes.

Submission:

Labcorp Genetics (formerly Invitae), Labcorp
Classification: Uncertain significance for Combined immunodeficiency due to CTPS1 deficiency. Last evaluated: 2024-01-19. Review status: criteria provided, single submitter. Criteria: Invitae Variant Classification Sherloc (09022015). Collection method: clinical testing. Allele origin: germline.
Comment: This sequence change replaces aspartic acid, which is acidic and polar, with glycine, which is neutral and non-polar, at codon 516 of the CTPS1 protein (p.Asp516Gly). This variant is present in population databases (rs371598753, gnomAD 0.007%). This variant has not been reported in the literature in individuals affected with CTPS1-related conditions. Algorithms developed to predict the effect of missense changes on protein structure and function output the following: SIFT: "Not Available"; PolyPhen-2: "Benign"; Align-GVGD: "Not Available". The glycine amino acid residue is found in multiple mammalian species, which suggests that this missense change does not adversely affect protein function. In summary, the available evidence is currently insufficient to determine the role of this variant in disease. Therefore, it has been classified as a Variant of Uncertain Significance.